The following is an entry in ClinVar:

NM_007294.4(BRCA1):c.1611_1612delinsAAA (p.Asn537fs)

Gene: BRCA1 (BRCA1 DNA repair associated; minus strand). Cytogenetic location: 17q21.31.
Variant type: Indel.
Coding change: c.1611_1612delinsAAA on transcript NM_007294.4 (MANE Select); coding-DNA positions 1611 to 1612, CC replaced by AAA.
Protein change: p.Asn537fs; shifts the reading frame from asparagine 537.
Molecular consequence: frameshift variant. On other transcripts: intron variant (137).
Genome position (GRCh38, 1-based): chr17:43,093,919-43,093,920, GG replaced by TTT on the plus strand (CC replaced by AAA on the coding strand, the reverse complement: BRCA1 is on the minus strand). VCF-style: chr17-43093919-GG-TTT. GRCh37 (hg19) VCF-style: chr17-41245936-GG-TTT.
Other names: c.1611_1612delinsAAA, p.Asn537fs (NM_001407581.1, NM_001407582.1, NM_001407583.1 and 30 more transcripts); c.1608_1609delinsAAA, p.Asn536fs (NM_001407587.1, NM_001407590.1, NM_001407591.1 and 22 more transcripts); c.1470_1471delinsAAA, p.Asn490fs (NM_007297.4, NM_001407692.1, NM_001407694.1 and 29 more transcripts); c.646+824_646+825delinsAAA (NM_001408458.1, NM_001408469.1, NM_001408453.1 and 11 more transcripts); c.283+824_283+825delinsAAA (NM_001408512.1); c.406+824_406+825delinsAAA (NM_001408510.1); c.643+824_643+825delinsAAA (NM_001408470.1, NM_001408464.1, NM_001408468.1 and 3 more transcripts); c.784+824_784+825delinsAAA (NM_001408397.1, NM_001408401.1, NM_001408396.1 and 13 more transcripts); and 40 more; short protein forms N241fs, N369fs, N409fs, N410fs, N425fs, N426fs, N448fs, N449fs.
Identifiers: ClinVar variation 4876022 (VCV004876022.1).

ClinVar aggregate classification (germline): Pathogenic (1 of 4 stars; one submission).

Conditions:
Breast-ovarian cancer, familial, susceptibility to, 1 (BROVCA1). Also called: OVARIAN CANCER, SUSCEPTIBILITY TO; BRCA1 Hereditary Breast and Ovarian Cancer. Identifiers: Orphanet 145, MedGen C2676676, MONDO:0011450, OMIM 604370. Disease mechanism: loss of function.

Submission:

Myriad Genetics, Inc.
Classification: Pathogenic for Breast-ovarian cancer, familial, susceptibility to, 1. Last evaluated: 2026-04-23. Review status: criteria provided, single submitter. Criteria: Myriad Autosomal Dominant, Autosomal Recessive and X-Linked Classification Criteria (2023). Collection method: clinical testing. Allele origin: unknown.
Comment: This variant is considered pathogenic. This variant creates a frameshift predicted to result in premature protein truncation.